The following is an entry in ClinVar:

NM_001042492.3(NF1):c.7170G>A (p.Leu2390=)

Gene: NF1 (neurofibromin 1; plus strand). Cytogenetic location: 17q11.2.
Variant type: single nucleotide variant.
Coding change: c.7170G>A on transcript NM_001042492.3 (MANE Select); coding-DNA position 7170, G replaced by A.
Protein change: p.Leu2390=; no amino-acid change (leucine 2390 retained).
Molecular consequence: synonymous variant.
Genome position (GRCh38, 1-based): chr17:31,343,116, G>A. VCF-style: chr17-31343116-G-A. GRCh37 (hg19) VCF-style: chr17-29670134-G-A.
Other names: c.7107G>A, p.Leu2369= (NM_000267.4).
Identifiers: ClinVar variation 514424 (VCV000514424.7), dbSNP rs751081026, ClinGen allele CA499236853.

ClinVar aggregate classification (germline): Benign/Likely benign. Review status: criteria provided, multiple submitters, no conflicts (2 of 4 stars). 3 submissions from 3 submitters: Benign (1); Likely benign (2). Last evaluated 2026-05-21.

Conditions:
Neurofibromatosis, type 1 (NF1). Also called: Peripheral type neurofibromatosis; Neurofibromatosis, type I; VON RECKLINGHAUSEN DISEASE; NEUROFIBROMATOSIS, TYPE I, SOMATIC. Identifiers: Orphanet 636, MedGen C0027831, MONDO:0018975, OMIM 162200. Disease mechanism: loss of function.

Allele frequency attached by ClinVar (database versions not stated): gnomAD 0.00002 and 0.00001.
gnomAD v4.1: 3 of 1,613,538 alleles (0.00019%); highest among the groups gnomAD compares: African/African-American, 0.0027%; no homozygotes.

Submissions (3):

Myriad Genetics, Inc.
Classification: Benign for Neurofibromatosis, type 1. Last evaluated: 2026-05-21. Review status: criteria provided, single submitter. Criteria: Myriad Autosomal Dominant, Autosomal Recessive and X-Linked Classification Criteria (2023). Collection method: clinical testing. Allele origin: unknown.
Comment: This variant is considered benign. This variant is a silent/synonymous amino acid change and it is not expected to impact splicing.

Labcorp Genetics (formerly Invitae), Labcorp
Classification: Likely benign for Neurofibromatosis, type 1. Last evaluated: 2025-09-08. Review status: criteria provided, single submitter. Criteria: Invitae Variant Classification Sherloc (09022015). Collection method: clinical testing. Allele origin: germline.

GeneDx
Classification: Likely benign. Last evaluated: 2017-12-22. Review status: criteria provided, single submitter. Criteria: GeneDx Variant Classification (06012015). Collection method: clinical testing. Allele origin: germline. Affected: yes.
Comment: This variant is considered likely benign or benign based on one or more of the following criteria: it is a conservative change, it occurs at a poorly conserved position in the protein, it is predicted to be benign by multiple in silico algorithms, and/or has population frequency not consistent with disease.